The following is an entry in ClinVar:

ClinVar aggregate classification (germline): Uncertain significance. Review status: criteria provided, multiple submitters, no conflicts (2 of 4 stars). 2 submissions from 2 submitters: Uncertain significance (2). Last evaluated 2024-09-20.

Conditions:
Inborn genetic diseases. Identifiers: MedGen C0950123, MeSH D030342.

Allele frequency attached by ClinVar (database versions not stated): gnomAD exomes 0.00001; gnomAD 0.00003; TOPMed 0.00003.
gnomAD v4.1: 16 of 1,614,026 alleles (0.00099%); highest among the groups gnomAD compares: South Asian, 0.0055%; no homozygotes.

Submissions (2):

Ambry Genetics
Classification: Uncertain significance for Inborn genetic diseases. Last evaluated: 2024-09-20. Review status: criteria provided, single submitter. Criteria: Ambry Variant Classification Scheme 2023. Collection method: clinical testing. Allele origin: germline.

Labcorp Genetics (formerly Invitae), Labcorp
Classification: Uncertain significance. Last evaluated: 2022-03-09. Review status: criteria provided, single submitter. Criteria: Invitae Variant Classification Sherloc (09022015). Collection method: clinical testing. Allele origin: germline.
Comment: In summary, the available evidence is currently insufficient to determine the role of this variant in disease. Therefore, it has been classified as a Variant of Uncertain Significance. Algorithms developed to predict the effect of missense changes on protein structure and function (SIFT, PolyPhen-2, Align-GVGD) all suggest that this variant is likely to be tolerated. This variant has not been reported in the literature in individuals affected with TTLL5-related conditions. This variant is present in population databases (no rsID available, gnomAD 0.007%). This sequence change replaces proline, which is neutral and non-polar, with leucine, which is neutral and non-polar, at codon 1269 of the TTLL5 protein (p.Pro1269Leu).

NM_015072.5(TTLL5):c.3806C>T (p.Pro1269Leu)

Gene: TTLL5 (tubulin tyrosine ligase like 5; plus strand). Cytogenetic location: 14q24.3.
Variant type: single nucleotide variant.
Coding change: c.3806C>T on transcript NM_015072.5 (MANE Select); coding-DNA position 3806, C replaced by T.
Protein change: p.Pro1269Leu; replaces proline 1269 with leucine.
Molecular consequence: missense variant.
Genome position (GRCh38, 1-based): chr14:75,902,207, C>T. VCF-style: chr14-75902207-C-T. GRCh37 (hg19) VCF-style: chr14-76368550-C-T.
Other names: c.3806C>T (NM_015072.4); short protein forms P1269L.
Identifiers: ClinVar variation 1934774 (VCV001934774.6), dbSNP rs1390428089, ClinGen allele CA390538730.